The following is an entry in ClinVar:

ClinVar aggregate classification (germline): Uncertain significance. Review status: criteria provided, multiple submitters, no conflicts (2 of 4 stars). 3 submissions from 3 submitters: Uncertain significance (3). Last evaluated 2024-11-05.

Allele frequency attached by ClinVar (database versions not stated): gnomAD exomes below 0.00001; TOPMed below 0.00001; gnomAD 0.00001.
gnomAD v4.1: 8 of 1,613,570 alleles (0.0005%); highest among the groups gnomAD compares: South Asian, 0.0022%; no homozygotes.

Submissions (3):

Labcorp Genetics (formerly Invitae), Labcorp
Classification: Uncertain significance. Last evaluated: 2024-11-05. Review status: criteria provided, single submitter. Criteria: Invitae Variant Classification Sherloc (09022015). Collection method: clinical testing. Allele origin: germline.
Comment: This sequence change replaces arginine, which is basic and polar, with glutamine, which is neutral and polar, at codon 629 of the RASA2 protein (p.Arg629Gln). This variant is present in population databases (no rsID available, gnomAD 0.0009%). This variant has not been reported in the literature in individuals affected with RASA2-related conditions. ClinVar contains an entry for this variant (Variation ID: 984471). Invitae Evidence Modeling of protein sequence and biophysical properties (such as structural, functional, and spatial information, amino acid conservation, physicochemical variation, residue mobility, and thermodynamic stability) indicates that this missense variant is expected to disrupt RASA2 protein function with a positive predictive value of 80%. In summary, the available evidence is currently insufficient to determine the role of this variant in disease. Therefore, it has been classified as a Variant of Uncertain Significance.

Ambry Genetics
Classification: Uncertain significance. Last evaluated: 2023-03-06. Review status: criteria provided, single submitter. Criteria: Ambry Variant Classification Scheme 2023. Collection method: clinical testing. Allele origin: germline.

Women's Health and Genetics/Laboratory Corporation of America, LabCorp
Classification: Uncertain significance. Last evaluated: 2020-10-19. Review status: criteria provided, single submitter. Criteria: LabCorp Variant Classification Summary - May 2015. Collection method: clinical testing. Allele origin: germline.
Comment: Variant summary: RASA2 c.1886G>A (p.Arg629Gln) results in a conservative amino acid change located in the Ras GTPase-activating domain (IPR001936) of the encoded protein sequence. Four of five in-silico tools predict a damaging effect of the variant on protein function. The variant allele was found at a frequency of 4e-06 in 250928 control chromosomes (gnomAD). The available data on variant occurrences in the general population are insufficient to allow any conclusion about variant significance. To our knowledge, no occurrence of c.1886G>A in individuals affected with Noonan Syndrome and no experimental evidence demonstrating its impact on protein function have been reported. No clinical diagnostic laboratories have submitted clinical-significance assessments for this variant to ClinVar after 2014. Based on the evidence outlined above, the variant was classified as uncertain significance.

NM_006506.5(RASA2):c.1886G>A (p.Arg629Gln)

Gene: RASA2 (RAS p21 protein activator 2; plus strand). Cytogenetic location: 3q23.
Variant type: single nucleotide variant.
Coding change: c.1886G>A on transcript NM_006506.5 (MANE Select); coding-DNA position 1886, G replaced by A.
Protein change: p.Arg629Gln; replaces arginine 629 with glutamine.
Molecular consequence: missense variant.
Genome position (GRCh38, 1-based): chr3:141,586,705, G>A. VCF-style: chr3-141586705-G-A. GRCh37 (hg19) VCF-style: chr3-141305547-G-A.
Other names: c.1886G>A, p.Arg629Gln (NM_001303245.3, NM_001303246.3); c.1886G>A (NM_006506.2); short protein forms R629Q.
Identifiers: ClinVar variation 984471 (VCV000984471.6), dbSNP rs1469875156, ClinGen allele CA354782234.